The following is an entry in ClinVar:

ClinVar aggregate classification (germline): not provided (0 of 4 stars; one submission).

Submission:

ITMI
No classification provided. Condition: AllHighlyPenetrant. Last evaluated: 2013-09-19. Review status: no classification provided. Collection method: reference population. Allele origin: germline.
Comment: Please see associated publication for description of ethnicities

Literature cited by the submitters: PubMed 24728327.

NM_005236.3(ERCC4):c.176T>A (p.Val59Glu)

Genes: ERCC4 (ERCC excision repair 4, endonuclease catalytic subunit; plus strand), LOC130058543 (ATAC-STARR-seq lymphoblastoid active region 10486; plus strand). Cytogenetic location: 16p13.12.
Variant type: single nucleotide variant.
Coding change: c.176T>A on transcript NM_005236.3 (MANE Select); coding-DNA position 176, T replaced by A.
Protein change: p.Val59Glu; replaces valine 59 with glutamic acid.
Molecular consequence: missense variant.
Genome position (GRCh38, 1-based): chr16:13,920,341, T>A. VCF-style: chr16-13920341-T-A. GRCh37 (hg19) VCF-style: chr16-14014198-T-A.
Other names: short protein forms V59E.
Identifiers: ClinVar variation 134133 (VCV000134133.1), dbSNP rs587778283, ClinGen allele CA158861.
Genomic context (GRCh38, chr16:13,920,341, plus strand): 5'-TCGGCGCGGACCGGCTCCTCTACCACTTTCTCCAGCTGCACTGCCACCCAGCCTGCCTGG[T>A]GCTGGTGCTCAACACGCAGCCGGCCGAGGAGGTGCGGCCGCGCTGGCGCGGGAGTGAGGG-3'
Protein context (NP_005227.1, residues 49-69): LQLHCHPACL[Val59Glu]LVLNTQPAEE